The following is an entry in ClinVar:

ClinVar aggregate classification (germline): Conflicting classifications of pathogenicity. Review status: criteria provided, conflicting classifications (1 of 4 stars). 4 submissions from 4 submitters: Uncertain significance (2); Benign (1); Likely benign (1). Last evaluated 2024-12-10.

Conditions:
Cardiovascular phenotype. Identifiers: MedGen CN230736.
Hypercholesterolemia, autosomal dominant, type B (FHCL2). Also called: APOB-Related Familial Hypercholesterolemia, Autosomal Dominant; Familial Hypercholesterolemia Type B; APOLIPOPROTEIN B-100, FAMILIAL DEFECTIVE; APOLIPOPROTEIN B-100, FAMILIAL LIGAND-DEFECTIVE; Hyperlipoproteinemia Type IIb; Familial hypercholesterolemia 2. Identifiers: MedGen C1704417, MONDO:0007751, OMIM 144010.
Familial hypobetalipoproteinemia 1. Also called: APOB-Related Familial Hypobetalipoproteinemia; Hypobetalipoproteinemia, normotriglyceridemic; Acanthocytosis with hypobetalipoproteinemia. Identifiers: MedGen C4551990, MONDO:0014252, OMIM 615558.

Allele frequency attached by ClinVar (database versions not stated): ExAC 0.00001; gnomAD 0.00003.
gnomAD v4.1: 57 of 1,614,020 alleles (0.0035%); highest among the groups gnomAD compares: Non-Finnish European, 0.0047%; 1 homozygote.

Submissions (4):

GeneDx
Classification: Uncertain significance. Last evaluated: 2024-12-10. Review status: criteria provided, single submitter. Criteria: GeneDx Variant Classification Process June 2021. Collection method: clinical testing. Allele origin: germline. Affected: yes.
Comment: Not observed at significant frequency in large population cohorts (gnomAD); In silico analysis indicates that this missense variant does not alter protein structure/function; Has not been previously published as pathogenic or benign to our knowledge

Labcorp Genetics (formerly Invitae), Labcorp
Classification: Benign for Familial hypobetalipoproteinemia 1; Hypercholesterolemia, autosomal dominant, type B. Last evaluated: 2024-03-02. Review status: criteria provided, single submitter. Criteria: Invitae Variant Classification Sherloc (09022015). Collection method: clinical testing. Allele origin: germline.

Ambry Genetics
Classification: Likely benign for Cardiovascular phenotype. Last evaluated: 2023-04-05. Review status: criteria provided, single submitter. Criteria: Ambry Variant Classification Scheme 2023. Collection method: clinical testing. Allele origin: germline.

Fulgent Genetics
Classification: Uncertain significance for Hypercholesterolemia, autosomal dominant, type B; Familial hypobetalipoproteinemia 1. Last evaluated: 2021-07-14. Review status: criteria provided, single submitter. Criteria: ACMG Guidelines, 2015. Collection method: clinical testing. Allele origin: unknown.

NM_000384.3(APOB):c.5991T>A (p.Asp1997Glu)

Gene: APOB (apolipoprotein B; minus strand). Cytogenetic location: 2p24.1.
Variant type: single nucleotide variant.
Coding change: c.5991T>A on transcript NM_000384.3 (MANE Select); coding-DNA position 5991, T replaced by A.
Protein change: p.Asp1997Glu; replaces aspartic acid 1997 with glutamic acid.
Molecular consequence: missense variant.
Genome position (GRCh38, 1-based): chr2:21,010,877, A>T on the plus strand (T>A on the coding strand, the complement: APOB is on the minus strand). VCF-style: chr2-21010877-A-T. GRCh37 (hg19) VCF-style: chr2-21233749-A-T.
Other names: short protein forms D1997E.
Identifiers: ClinVar variation 430496 (VCV000430496.11), dbSNP rs768045701, ClinGen allele CA062703.